The following is an entry in ClinVar:

ClinVar aggregate classification (germline): Uncertain significance (1 of 4 stars; one submission).

Submission:

Labcorp Genetics (formerly Invitae), Labcorp
Classification: Uncertain significance. Last evaluated: 2022-06-23. Review status: criteria provided, single submitter. Criteria: Invitae Variant Classification Sherloc (09022015). Collection method: clinical testing. Allele origin: germline.
Comment: This sequence change replaces tryptophan, which is neutral and slightly polar, with cysteine, which is neutral and slightly polar, at codon 928 of the MICAL1 protein (p.Trp928Cys). This variant is not present in population databases (gnomAD no frequency). This variant has not been reported in the literature in individuals affected with MICAL1-related conditions. Algorithms developed to predict the effect of missense changes on protein structure and function are either unavailable or do not agree on the potential impact of this missense change (SIFT: "Deleterious"; PolyPhen-2: "Possibly Damaging"; Align-GVGD: "Class C0"). In summary, the available evidence is currently insufficient to determine the role of this variant in disease. Therefore, it has been classified as a Variant of Uncertain Significance.

NM_022765.4(MICAL1):c.2727G>T (p.Trp909Cys)

Gene: MICAL1 (microtubule associated monooxygenase, calponin and LIM domain containing 1; minus strand). Cytogenetic location: 6q21.
Variant type: single nucleotide variant.
Coding change: c.2727G>T on transcript NM_022765.4 (MANE Select); coding-DNA position 2727, G replaced by T.
Protein change: p.Trp909Cys; replaces tryptophan 909 with cysteine.
Molecular consequence: missense variant.
Genome position (GRCh38, 1-based): chr6:109,445,476, C>A on the plus strand (G>T on the coding strand, the complement: MICAL1 is on the minus strand). VCF-style: chr6-109445476-C-A. GRCh37 (hg19) VCF-style: chr6-109766679-C-A.
Other names: c.2469G>T, p.Trp823Cys (NM_001159291.2); c.2784G>T, p.Trp928Cys (NM_001286613.2); short protein forms W909C, W928C, W823C.
Identifiers: ClinVar variation 1952701 (VCV001952701.5), dbSNP rs2482769319, ClinGen allele CA365222109.